The following is an entry in ClinVar:

NM_000455.5(STK11):c.626C>T (p.Thr209Ile)

Gene: STK11 (serine/threonine kinase 11; plus strand). Cytogenetic location: 19p13.3.
Variant type: single nucleotide variant.
Coding change: c.626C>T on transcript NM_000455.5 (MANE Select); coding-DNA position 626, C replaced by T.
Protein change: p.Thr209Ile; replaces threonine 209 with isoleucine.
Molecular consequence: missense variant.
Genome position (GRCh38, 1-based): chr19:1,220,609, C>T. VCF-style: chr19-1220609-C-T. GRCh37 (hg19) VCF-style: chr19-1220608-C-T.
Other names: c.626C>T, p.Thr209Ile (NM_001407255.1); short protein forms T209I.
Identifiers: ClinVar variation 1752542 (VCV001752542.5), dbSNP rs876660473, ClinGen allele CA402949509.

ClinVar aggregate classification (germline): Uncertain significance. Review status: criteria provided, multiple submitters, no conflicts (2 of 4 stars). 2 submissions from 2 submitters: Uncertain significance (2). Last evaluated 2023-11-14.

Conditions:
Hereditary cancer-predisposing syndrome. Also called: Neoplastic Syndromes, Hereditary; Tumor predisposition; Hereditary neoplastic syndrome; Hereditary Cancer Syndrome. Identifiers: Orphanet 140162, MedGen C0027672, MeSH D009386, MONDO:0015356.
Peutz-Jeghers syndrome (PJS). Also called: POLYPOSIS, HAMARTOMATOUS INTESTINAL; POLYPS-AND-SPOTS SYNDROME; Peutz-Jeghers polyposis; Periorificial lentiginosis syndrome. Identifiers: Orphanet 2869, MedGen C0031269, MeSH D010580, MONDO:0008280, OMIM 175200.

Submissions (2):

Labcorp Genetics (formerly Invitae), Labcorp
Classification: Uncertain significance for Peutz-Jeghers syndrome. Last evaluated: 2023-11-14. Review status: criteria provided, single submitter. Criteria: Invitae Variant Classification Sherloc (09022015). Collection method: clinical testing. Allele origin: germline.
Comment: This sequence change replaces threonine, which is neutral and polar, with isoleucine, which is neutral and non-polar, at codon 209 of the STK11 protein (p.Thr209Ile). This variant is not present in population databases (gnomAD no frequency). This variant has not been reported in the literature in individuals affected with STK11-related conditions. ClinVar contains an entry for this variant (Variation ID: 1752542). Advanced modeling of protein sequence and biophysical properties (such as structural, functional, and spatial information, amino acid conservation, physicochemical variation, residue mobility, and thermodynamic stability) has been performed at Invitae for this missense variant, however the output from this modeling did not meet the statistical confidence thresholds required to predict the impact of this variant on STK11 protein function. In summary, the available evidence is currently insufficient to determine the role of this variant in disease. Therefore, it has been classified as a Variant of Uncertain Significance.

Ambry Genetics
Classification: Uncertain significance for Hereditary cancer-predisposing syndrome. Last evaluated: 2022-10-25. Review status: criteria provided, single submitter. Criteria: Ambry Variant Classification Scheme 2023. Collection method: clinical testing. Allele origin: germline.
Comment: The p.T209I variant (also known as c.626C>T), located in coding exon 5 of the STK11 gene, results from a C to T substitution at nucleotide position 626. The threonine at codon 209 is replaced by isoleucine, an amino acid with similar properties. This amino acid position is highly conserved in available vertebrate species. In addition, the in silico prediction for this alteration is inconclusive. Since supporting evidence is limited at this time, the clinical significance of this alteration remains unclear.